The following is an entry in ClinVar:

NM_014516.4(CNOT3):c.206A>C (p.Asn69Thr)

Gene: CNOT3 (CCR4-NOT transcription complex subunit 3; plus strand). Cytogenetic location: 19q13.42.
Variant type: single nucleotide variant.
Coding change: c.206A>C on transcript NM_014516.4 (MANE Select); coding-DNA position 206, A replaced by C.
Protein change: p.Asn69Thr; replaces asparagine 69 with threonine.
Molecular consequence: missense variant.
Genome position (GRCh38, 1-based): chr19:54,143,697, A>C. VCF-style: chr19-54143697-A-C. GRCh37 (hg19) VCF-style: chr19-54647433-A-C.
Other names: short protein forms N69T.
Identifiers: ClinVar variation 3367453 (VCV003367453.1).

ClinVar aggregate classification (germline): Uncertain significance (1 of 4 stars; one submission).

Submission:

GeneDx
Classification: Uncertain significance. Last evaluated: 2024-01-04. Review status: criteria provided, single submitter. Criteria: GeneDx Variant Classification Process June 2021. Collection method: clinical testing. Allele origin: germline. Affected: yes.
Comment: Not observed at significant frequency in large population cohorts (gnomAD); In silico analysis supports that this missense variant has a deleterious effect on protein structure/function; Has not been previously published as pathogenic or benign to our knowledge